The following is an entry in ClinVar:

ClinVar aggregate classification (germline): Uncertain significance. Review status: criteria provided, multiple submitters, no conflicts (2 of 4 stars). 2 submissions from 2 submitters: Uncertain significance (2). Last evaluated 2022-12-02.

Conditions:
Hypertrophic cardiomyopathy. Also called: HYPERTROPHIC MYOCARDIOPATHY. Identifiers: Orphanet 217569, MedGen C0007194, MeSH D002312, MONDO:0005045, HP:0001639.

Allele frequency attached by ClinVar (database versions not stated): gnomAD exomes below 0.00001.
gnomAD v4.1: 1 of 1,527,506 alleles (0.000065%); highest among the groups gnomAD compares: South Asian, 0.0013%; no homozygotes.

Submissions (2):

Blueprint Genetics
Classification: Uncertain significance. Last evaluated: 2022-12-02. Review status: criteria provided, single submitter. Criteria: ACMG Guidelines, 2015. Collection method: clinical testing. Allele origin: germline.

Labcorp Genetics (formerly Invitae), Labcorp
Classification: Uncertain significance for Hypertrophic cardiomyopathy. Last evaluated: 2022-01-01. Review status: criteria provided, single submitter. Criteria: Invitae Variant Classification Sherloc (09022015). Collection method: clinical testing. Allele origin: germline.
Comment: In summary, the available evidence is currently insufficient to determine the role of this variant in disease. Therefore, it has been classified as a Variant of Uncertain Significance. Variants that disrupt the consensus splice site are a relatively common cause of aberrant splicing (PMID: 17576681, 9536098). Algorithms developed to predict the effect of sequence changes on RNA splicing suggest that this variant may disrupt the consensus splice site. This variant has not been reported in the literature in individuals affected with MYBPC3-related conditions. This variant is not present in population databases (gnomAD no frequency). This sequence change falls in intron 27 of the MYBPC3 gene. It does not directly change the encoded amino acid sequence of the MYBPC3 protein. It affects a nucleotide within the consensus splice site.

Literature cited by the submitters: PubMed 17576681 (cited by Labcorp Genetics (formerly Invitae), Labcorp); PubMed 9536098 (cited by Labcorp Genetics (formerly Invitae), Labcorp).

NM_000256.3(MYBPC3):c.2905+4A>G

Gene: MYBPC3 (myosin binding protein C3; minus strand). Cytogenetic location: 11p11.2.
Variant type: single nucleotide variant.
Coding change: c.2905+4A>G on transcript NM_000256.3 (MANE Select); 4 bases into the intron after coding-DNA position 2905, A replaced by G.
Molecular consequence: intron variant.
Genome position (GRCh38, 1-based): chr11:47,335,038, T>C on the plus strand (A>G on the coding strand, the complement: MYBPC3 is on the minus strand). VCF-style: chr11-47335038-T-C. GRCh37 (hg19) VCF-style: chr11-47356589-T-C.
Identifiers: ClinVar variation 2069130 (VCV002069130.5), dbSNP rs2495744177, ClinGen allele CA2580084257.